The following is an entry in ClinVar:

NM_025216.3(WNT10A):c.982_986dup (p.Arg330fs)

Gene: WNT10A (Wnt family member 10A; plus strand). Cytogenetic location: 2q35.
Variant type: Duplication.
Coding change: c.982_986dup on transcript NM_025216.3 (MANE Select); coding-DNA positions 982 to 986, 5 bases duplicated (CGCCG; older notation c.982_986dupCGCCG).
Protein change: p.Arg330fs; shifts the reading frame from arginine 330.
Molecular consequence: frameshift variant.
Genome position (GRCh38, 1-based): chr2:218,892,999-218,893,003, CGCCG duplicated; duplicating any 5 consecutive bases within chr2:218,892,995-218,893,003 gives the same sequence; the c. name uses the placement nearest the transcript's 3' end. VCF-style (leftmost placement, unchanged base first): chr2-218892994-G-GGCCGC. GRCh37 (hg19) VCF-style: chr2-219757716-G-GGCCGC.
Other names: short protein forms R330fs.
Identifiers: ClinVar variation 2133011 (VCV002133011.4), dbSNP rs2469037164, ClinGen allele CA2580065735.

ClinVar aggregate classification (germline): Pathogenic (1 of 4 stars; one submission).

Conditions:
Odonto-onycho-dermal dysplasia. Identifiers: Orphanet 2721, MedGen C0796093, MONDO:0009773, OMIM 257980.
Tooth agenesis, selective, 4 (STHAG4). Also called: SUCCEDANEOUS TEETH, AGENESIS OF; TOOTH AGENESIS, SELECTIVE, 4, WITH OR WITHOUT ECTODERMAL DYSPLASIA; LATERAL INCISORS, ABSENCE OF; LATERAL INCISORS, PEGGED OR MISSING. Identifiers: Orphanet 99798, MedGen C1835492, MONDO:0007881, OMIM 150400. Disease mechanism: loss of function.

Submission:

Labcorp Genetics (formerly Invitae), Labcorp
Classification: Pathogenic for Tooth agenesis, selective, 4; Odonto-onycho-dermal dysplasia. Last evaluated: 2022-05-09. Review status: criteria provided, single submitter. Criteria: Invitae Variant Classification Sherloc (09022015). Collection method: clinical testing. Allele origin: germline.
Comment: For these reasons, this variant has been classified as Pathogenic. This variant disrupts a region of the WNT10A protein in which other variant(s) (p.Glu390*) have been determined to be pathogenic (PMID: 24902757; Invitae). This suggests that this is a clinically significant region of the protein, and that variants that disrupt it are likely to be disease-causing. This variant has not been reported in the literature in individuals affected with WNT10A-related conditions. This variant is not present in population databases (gnomAD no frequency). This sequence change results in a frameshift in the WNT10A gene (p.Arg330Alafs*110). While this is not anticipated to result in nonsense mediated decay, it is expected to disrupt the last 88 amino acid(s) of the WNT10A protein and extend the protein by 21 additional amino acid residues.

Literature cited by the submitters: PubMed 24902757.